The following is an entry in ClinVar:

ClinVar aggregate classification (germline): Uncertain significance (1 of 4 stars; one submission).

Conditions:
Hereditary cerebellar ataxia. Identifiers: MedGen C0270749, MONDO:0100310.

gnomAD v4.1: 4 of 1,613,276 alleles (0.00025%); highest among the groups gnomAD compares: South Asian, 0.0011%; no homozygotes.

Submission:

Molecular Genetics, Royal Melbourne Hospital
Classification: Uncertain significance for Hereditary cerebellar ataxia. Last evaluated: 2024-08-05. Review status: criteria provided, single submitter. Criteria: ACMG Guidelines, 2015. Collection method: clinical testing. Allele origin: germline. Inheritance: Autosomal dominant inheritance. Affected: yes.
Comment: This sequence change in CACNA1G is predicted to replace arginine with glutamine at codon 1394, p.(Arg1394Gln). The arginine residue is highly conserved (100 vertebrates, Multiz Alignments), and is located in ion transport domain III in a region (amino acids 1392-1420) intolerant to missense variation. CACNA1G is a gene with a low rate of benign missense variation and where pathogenic missense variants are a common mechanism of disease (ClinVar). There is a small physicochemical difference between arginine and glutamine. The highest population minor allele frequency in the population database gnomAD v4.1 is 0.0003% (3/1,179,420 alleles) in the European (non-Finnish) population. To our knowledge, this variant has not been previously reported in the relevant scientific literature or databases. Computational evidence predicts a deleterious effect for the missense substitution (REVEL = 0.891). Based on the classification scheme RMH Modified ACMG/AMP Guidelines v1.7.0, this variant is classified as a VARIANT OF UNCERTAIN SIGNIFICANCE. Following criteria are met: PM1, PM2_Supporting, PP3.

NM_018896.5(CACNA1G):c.4181G>A (p.Arg1394Gln)

Gene: CACNA1G (calcium voltage-gated channel subunit alpha1 G; plus strand). Cytogenetic location: 17q21.33.
Variant type: single nucleotide variant.
Coding change: c.4181G>A on transcript NM_018896.5 (MANE Select); coding-DNA position 4181, G replaced by A.
Protein change: p.Arg1394Gln; replaces arginine 1394 with glutamine.
Molecular consequence: missense variant. On other transcripts: non-coding transcript variant (5).
Genome position (GRCh38, 1-based): chr17:50,604,166, G>A. VCF-style: chr17-50604166-G-A. GRCh37 (hg19) VCF-style: chr17-48681527-G-A.
Other names: c.4181G>A, p.Arg1394Gln (NM_001256333.2, NM_001256334.2, NM_198377.3 and 16 more transcripts); c.4112G>A, p.Arg1371Gln (NM_198376.3, NM_198379.3, NM_198382.3 and 5 more transcripts); short protein forms R1371Q, R1394Q.
Identifiers: ClinVar variation 3773799 (VCV003773799.1).
Genomic context (GRCh38, chr17:50,604,166, plus strand): 5'-GGGTCTGGGCTGGGGGAAGCCTTATCACCTCCCTCCCTCCCCTCCCCAGGGTGATCAGCC[G>A]GGCGCAGGGGCTGAAGCTGGTGGTGGAGACGCTGATGTCCTCACTGAAACCCATCGGCAA-3'
Protein context (NP_061496.2, residues 1384-1404): RTLRPLRVIS[Arg1394Gln]AQGLKLVVET